The following is an entry in ClinVar:

ClinVar aggregate classification (germline): Uncertain significance (1 of 4 stars; one submission).

Submission:

GeneDx
Classification: Uncertain significance. Last evaluated: 2026-03-01. Review status: criteria provided, single submitter. Criteria: GeneDx Variant Classification Process June 2021. Collection method: clinical testing. Allele origin: germline.
Comment: In silico analysis supports that this missense variant has a deleterious effect on protein structure/function; Has not been previously published as pathogenic or benign to our knowledge; Not observed at significant frequency in large population cohorts (gnomAD); Variants in candidate genes are classified as variants of uncertain significance in accordance with ACMG guidelines (PMID: 25741868)

NM_002332.3(LRP1):c.5378C>A (p.Ala1793Asp)

Gene: LRP1 (LDL receptor related protein 1; plus strand). Cytogenetic location: 12q13.3.
Variant type: single nucleotide variant.
Coding change: c.5378C>A on transcript NM_002332.3 (MANE Select); coding-DNA position 5378, C replaced by A.
Protein change: p.Ala1793Asp; replaces alanine 1793 with aspartic acid.
Molecular consequence: missense variant.
Genome position (GRCh38, 1-based): chr12:57,180,471, C>A. VCF-style: chr12-57180471-C-A. GRCh37 (hg19) VCF-style: chr12-57574254-C-A.
Other names: short protein forms A1793D.
Identifiers: ClinVar variation 5008332 (VCV005008332.1).
Genomic context (GRCh38, chr12:57,180,471, plus strand): 5'-GGAGTGGGCTGGAGGTCATCGATGCCATGCGGAGCCAGCTGGGCAAGGCCACCGCCCTGG[C>A]CATCATGGGTGAGGGCTGCTGGGCGAAGCAGAGATGACGCAGAGCAGGCCAGGCCAGACC-3'
Protein context (NP_002323.2, residues 1783-1803): RSQLGKATAL[Ala1793Asp]IMGDKLWWAD